The following is an entry in ClinVar:

ClinVar aggregate classification (germline): Uncertain significance (1 of 4 stars; one submission).

Conditions:
Combined immunodeficiency due to DOCK8 deficiency (HIES2). Also called: HIES autosomal recessive; HYPER-IgE SYNDROME 2, AUTOSOMAL RECESSIVE, WITH RECURRENT INFECTIONS; Hyper-IgE recurrent infection syndrome, autosomal recessive; HYPER-IgE RECURRENT INFECTION SYNDROME 2, AUTOSOMAL RECESSIVE; DOCK8 Deficiency. Identifiers: Orphanet 217390, MedGen C4722305, MONDO:0009478, OMIM 243700.

Allele frequency attached by ClinVar (database versions not stated): gnomAD exomes below 0.00001; ExAC 0.00001; TOPMed 0.00001.
gnomAD v4.1: 1 of 1,614,194 alleles (0.000062%); highest among the groups gnomAD compares: South Asian, 0.0011%; no homozygotes.

Submission:

Labcorp Genetics (formerly Invitae), Labcorp
Classification: Uncertain significance for Combined immunodeficiency due to DOCK8 deficiency. Last evaluated: 2022-05-12. Review status: criteria provided, single submitter. Criteria: Invitae Variant Classification Sherloc (09022015). Collection method: clinical testing. Allele origin: germline.
Comment: Algorithms developed to predict the effect of missense changes on protein structure and function are either unavailable or do not agree on the potential impact of this missense change (SIFT: "Tolerated"; PolyPhen-2: "Possibly Damaging"; Align-GVGD: "Class C0"). ClinVar contains an entry for this variant (Variation ID: 574709). This variant has not been reported in the literature in individuals affected with DOCK8-related conditions. This variant is present in population databases (rs771700724, gnomAD 0.003%). This sequence change replaces tyrosine, which is neutral and polar, with histidine, which is basic and polar, at codon 338 of the DOCK8 protein (p.Tyr338His). In summary, the available evidence is currently insufficient to determine the role of this variant in disease. Therefore, it has been classified as a Variant of Uncertain Significance.

NM_203447.4(DOCK8):c.1012T>C (p.Tyr338His)

Gene: DOCK8 (dedicator of cytokinesis 8; plus strand). Cytogenetic location: 9p24.3.
Variant type: single nucleotide variant.
Coding change: c.1012T>C on transcript NM_203447.4 (MANE Select); coding-DNA position 1012, T replaced by C.
Protein change: p.Tyr338His; replaces tyrosine 338 with histidine.
Molecular consequence: missense variant.
Genome position (GRCh38, 1-based): chr9:328,139, T>C. VCF-style: chr9-328139-T-C. GRCh37 (hg19) VCF-style: chr9-328139-T-C.
Other names: c.808T>C, p.Tyr270His (NM_001190458.2, NM_001193536.2); short protein forms Y338H, Y270H.
Identifiers: ClinVar variation 574709 (VCV000574709.9), dbSNP rs771700724, ClinGen allele CA4957559.